The following is an entry in ClinVar:

ClinVar aggregate classification (germline): Conflicting classifications of pathogenicity. Review status: criteria provided, conflicting classifications (1 of 4 stars). 11 submissions from 11 submitters: Uncertain significance (2); Benign (1); Likely benign (8). Last evaluated 2026-05-01.

Conditions:
Cardiovascular phenotype. Identifiers: MedGen CN230736.
Dilated cardiomyopathy 1G (CMD1G). Identifiers: Orphanet 154, MedGen C1858763, MONDO:0011400, OMIM 604145.
Autosomal recessive limb-girdle muscular dystrophy type 2J (LGMDR10). Also called: Limb-girdle muscular dystrophy, type 2J; MUSCULAR DYSTROPHY, LIMB-GIRDLE, AUTOSOMAL RECESSIVE 10. Identifiers: Orphanet 140922, MedGen C1837342, MONDO:0012127, OMIM 608807.
Cardiomyopathy (CMYO). Also called: Cardiomyopathies. Identifiers: Orphanet 167848, MedGen C0878544, MONDO:0004994, HP:0001638. Inheritance: Various modes of inheritance.

Allele frequency attached by ClinVar (database versions not stated): ESP Exome Variant Server 0.00008; gnomAD exomes 0.00010 and 0.00013; gnomAD 0.00014 and 0.00015; ExAC 0.00015; TOPMed 0.00015; 1000 Genomes Project 30x 0.00016; 1000 Genomes Project 0.00020.
gnomAD v4.1: 156 of 1,613,588 alleles (0.0097%); highest among the groups gnomAD compares: Non-Finnish European, 0.012%; no homozygotes.

Submissions (12):

CeGaT Center for Human Genetics Tuebingen
Classification: Likely benign. Last evaluated: 2026-05-01. Review status: criteria provided, single submitter. Criteria: CeGaT Center For Human Genetics Tuebingen Variant Classification Criteria Version 2. Collection method: clinical testing. Allele origin: germline. Affected: yes. Observed: 6 variant alleles.
Comment: TTN: BP4, BP7

Labcorp Genetics (formerly Invitae), Labcorp
Classification: Likely benign for Dilated cardiomyopathy 1G; Autosomal recessive limb-girdle muscular dystrophy type 2J. Last evaluated: 2026-01-22. Review status: criteria provided, single submitter. Criteria: Invitae Variant Classification Sherloc (09022015). Collection method: clinical testing. Allele origin: germline.

Athena Diagnostics
Classification: Benign. Last evaluated: 2025-11-04. Review status: criteria provided, single submitter. Criteria: Athena Diagnostics Criteria. Collection method: clinical testing. Allele origin: unknown.
Comment: The frequency of this variant in the general population is higher than would generally be expected for pathogenic variants in this gene. Computational tools yielded predictions that this variant is unlikely to have an effect on normal RNA splicing. This nucleotide position exhibits low evolutionary conservation.

Molecular Diagnostic Laboratory for Inherited Cardiovascular Disease, Montreal Heart Institute
Classification: Likely benign. Last evaluated: 2025-04-09. Review status: criteria provided, single submitter. Criteria: ACMG Guidelines, 2015. Collection method: clinical testing. Allele origin: germline. Affected: no.

Blueprint Genetics
Classification: Likely benign. Last evaluated: 2024-11-21. Review status: criteria provided, single submitter. Criteria: ACMG Guidelines, 2015. Collection method: clinical testing. Allele origin: germline.

Revvity Omics, Revvity
Classification: Uncertain significance. Last evaluated: 2024-10-11. Review status: criteria provided, single submitter. Criteria: ACMG Guidelines, 2015. Collection method: clinical testing. Allele origin: germline.

GeneDx
Classification: Likely benign. Last evaluated: 2021-02-03. Review status: criteria provided, single submitter. Criteria: GeneDx Variant Classification Process June 2021. Collection method: clinical testing. Allele origin: germline. Affected: yes.
Comment: This variant is associated with the following publications: (PMID: 24503780)

CHEO Genetics Diagnostic Laboratory, Children's Hospital of Eastern Ontario
Classification: Likely benign for Cardiomyopathy. Last evaluated: 2020-03-16. Review status: criteria provided, single submitter. Criteria: ACMG Guidelines, 2015. Collection method: clinical testing. Allele origin: germline.

Ambry Genetics
Classification: Likely benign for Cardiovascular phenotype. Last evaluated: 2018-07-11. Review status: criteria provided, single submitter. Criteria: Ambry Variant Classification Scheme 2023. Collection method: clinical testing. Allele origin: germline.

Eurofins Ntd Llc (ga)
Classification: Uncertain significance. Last evaluated: 2016-03-03. Review status: criteria provided, single submitter. Criteria: EGL Classification Definitions 2015. Collection method: clinical testing. Allele origin: germline. Observed: 3 variant alleles, 3 heterozygotes.

Laboratory for Molecular Medicine, Mass General Brigham Personalized Medicine
Classification: Likely benign. Last evaluated: 2012-03-19. Review status: criteria provided, single submitter. Criteria: LMM Criteria. Collection method: clinical testing. Allele origin: germline. Observed: 1 variant allele.
Comment: p.Ser32220Ser in Exon 307 of TTN: This variant is not expected to have clinical significance because it does not alter an amino acid residue, is not located wit hin the splice consensus sequence. It has been identified in 1/6700 European Ame rican chromosomes from a broad population by the NHLBI Exome Sequencing Project.

Dr. Peter K. Rogan Lab, Western University
No classification provided (evidence only). Condition: Ovarian serous cystadenocarcinoma. Review status: no classification provided. Collection method: in vitro. Allele origin: not applicable. Functional consequence: retained intron. Not counted in ClinVar's aggregate classification.

NM_001267550.2(TTN):c.104364C>T (p.Ser34788=)

Genes: TTN (titin; minus strand), TTN-AS1 (TTN antisense RNA 1; plus strand). Cytogenetic location: 2q31.2.
Variant type: single nucleotide variant.
Coding change: c.104364C>T on transcript NM_001267550.2 (MANE Select); coding-DNA position 104364, C replaced by T.
Protein change: p.Ser34788=; no amino-acid change (serine 34788 retained).
Molecular consequence: synonymous variant.
Genome position (GRCh38, 1-based): chr2:178,532,251, G>A on the plus strand (C>T on the coding strand, the complement: TTN is on the minus strand). VCF-style: chr2-178532251-G-A. GRCh37 (hg19) VCF-style: chr2-179396978-G-A.
Other names: c.99441C>T, p.Ser33147= (NM_001256850.1); c.96660C>T, p.Ser32220= (NM_133378.4); c.77169C>T, p.Ser25723= (NM_003319.4); c.77544C>T, p.Ser25848= (NM_133432.3); c.77745C>T, p.Ser25915= (NM_133437.4); c.104364C>T (NM_001267550.1).
Identifiers: ClinVar variation 47668 (VCV000047668.72), dbSNP rs181679744, ClinGen allele CA141661.